The following is an entry in ClinVar:

NM_148960.3(CLDN19):c.*1733G>A

Gene: CLDN19 (claudin 19; minus strand). Cytogenetic location: 1p34.2.
Variant type: single nucleotide variant.
Coding change: c.*1733G>A on transcript NM_148960.3 (MANE Select); 1733 bases downstream of the stop codon, G replaced by A.
Molecular consequence: 3 prime UTR variant.
Genome position (GRCh38, 1-based): chr1:42,733,353, C>T on the plus strand (G>A on the coding strand, the complement: CLDN19 is on the minus strand). VCF-style: chr1-42733353-C-T. GRCh37 (hg19) VCF-style: chr1-43199024-C-T.
Other names: c.*2515G>A (NM_001123395.2); c.*2409G>A (NM_001185117.2).
Identifiers: ClinVar variation 297316 (VCV000297316.6), dbSNP rs112310775, ClinGen allele CA10611037.

ClinVar aggregate classification (germline): Benign. Review status: criteria provided, multiple submitters, no conflicts (2 of 4 stars). 2 submissions from 2 submitters: Benign (2). Last evaluated 2018-01-13.

Conditions:
Renal hypomagnesemia 5 with ocular involvement. Also called: FHHNC WITH SEVERE OCULAR INVOLVEMENT; HYPOMAGNESEMIA, FAMILIAL, WITH HYPERCALCIURIA, NEPHROCALCINOSIS, AND SEVERE OCULAR INVOLVEMENT; MACULAR COLOBOMA, BILATERAL, WITH HYPERCALCIURIA; HYPOMAGNESEMIA 5, RENAL, WITH OR WITHOUT OCULAR INVOLVEMENT. Identifiers: Orphanet 2196, MedGen C4721891, MONDO:0009548, OMIM 248190.

Allele frequency attached by ClinVar (database versions not stated): gnomAD exomes 0.09184; gnomAD 0.12199 and 0.12322; 1000 Genomes Project 30x 0.12258; 1000 Genomes Project 0.12540; TOPMed 0.12840.

Submissions (2):

Illumina Laboratory Services, Illumina
Classification: Benign for Renal hypomagnesemia 5 with ocular involvement. Last evaluated: 2018-01-13. Review status: criteria provided, single submitter. Criteria: ICSL Variant Classification Criteria 13 December 2019. Collection method: clinical testing. Allele origin: germline.
Comment: This variant was observed in the ICSL laboratory as part of a predisposition screen in an ostensibly healthy population. It had not been previously curated by ICSL or reported in the Human Gene Mutation Database (HGMD: prior to June 1st, 2018), and was therefore a candidate for classification through an automated scoring system. Utilizing variant allele frequency, disease prevalence and penetrance estimates, and inheritance mode, an automated score was calculated to assess if this variant is too frequent to cause the disease. Based on the score and internal cut-off values, a variant classified as benign is not then subjected to further curation. The score for this variant resulted in a classification of benign for this disease.

Breakthrough Genomics
Classification: Benign. Review status: criteria provided, single submitter. Criteria: ACMG Guidelines, 2015. Collection method: not provided. Allele origin: germline. Inheritance: Autosomal recessive inheritance. Affected: yes.